The following is an entry in ClinVar:

ClinVar aggregate classification (germline): Conflicting classifications of pathogenicity. Review status: criteria provided, conflicting classifications (1 of 4 stars). 8 submissions from 8 submitters: Uncertain significance (5); Benign (1); Likely benign (1). 1 of the submissions does not count toward it. Last evaluated 2026-02-04.

Conditions:
Hereditary nonpolyposis colorectal neoplasms. Identifiers: MedGen C0009405, MeSH D003123.
Hereditary cancer-predisposing syndrome. Also called: Hereditary neoplastic syndrome; Neoplastic Syndromes, Hereditary; Tumor predisposition; Hereditary Cancer Syndrome. Identifiers: Orphanet 140162, MedGen C0027672, MeSH D009386, MONDO:0015356.
Lynch syndrome. Identifiers: Orphanet 144, MedGen C4552100, MONDO:0005835. Disease mechanism: loss of function.
Endometrial carcinoma. Also called: Endometrial carcinoma, somatic. Identifiers: MedGen C0476089, MONDO:0002447, OMIM 608089, HP:0012114.

Submissions (8):

Labcorp Genetics (formerly Invitae), Labcorp
Classification: Likely benign for Hereditary nonpolyposis colorectal neoplasms. Last evaluated: 2026-02-04. Review status: criteria provided, single submitter. Criteria: Invitae Variant Classification Sherloc (09022015). Collection method: clinical testing. Allele origin: germline.

Quest Diagnostics Nichols Institute San Juan Capistrano
Classification: Uncertain significance. Last evaluated: 2025-05-18. Review status: criteria provided, single submitter. Criteria: Quest Diagnostics criteria. Collection method: clinical testing. Allele origin: unknown.
Comment: The MSH6 c.4062_4065dup (p.Leu1356Aspfs*4) variant alters the translational reading frame of the MSH6 mRNA, but this variant is not expected to cause loss of protein expression through nonsense-mediated decay. However, it may still disrupt protein function. This variant has been reported in the published literature in individuals with colorectal cancer (PMID: 28765196 (2017), 25142776 (2015)), breast cancer (PMID: 34326862 (2021)), prostate cancer (PMID: 32832836 (2020)), and thyroid cancer (PMID: 36451132 (2022)). The frequency of this variant in the general population (Genome Aggregation Database) is higher than would generally be expected for pathogenic variants in this gene. Based on the available information, we are unable to determine the clinical significance of this variant.

Center for Genomic Medicine, Rigshospitalet, Copenhagen University Hospital
Classification: Uncertain significance. Last evaluated: 2025-03-04. Review status: criteria provided, single submitter. Criteria: ACMG Guidelines, 2015. Collection method: clinical testing. Allele origin: germline.
Comment: Classification criteria: BS1, PVS1_Moderate

Women's Health and Genetics/Laboratory Corporation of America, LabCorp
Classification: Uncertain significance. Last evaluated: 2025-02-25. Review status: criteria provided, single submitter. Criteria: LabCorp Variant Classification Summary - May 2015. Collection method: clinical testing. Allele origin: germline.
Comment: Variant summary: MSH6 c.4062_4065dupGACT (p.Leu1356AspfsX4) results in a frameshift, causing a premature termination codon in the last exon of the encoded protein. The variant is located 5 amino acids upstream from the termination codon, therefore it is unlikely to trigger nonsense-mediated decay (NMD). The variant allele was found at a frequency of 6.4e-05 in 250986 control chromosomes, predominantly at a frequency of 0.00043 within the South Asian subpopulation in the gnomAD database, and a homozygous individual has been reported in the gnomAD v4 database. The observed variant frequency within South Asian control individuals in the gnomAD database is approximately 3.027 fold of the estimated maximal expected allele frequency for a pathogenic variant in MSH6 causing autosomal dominant Hereditary Nonpolyposis Colorectal Cancer phenotype (0.00014). However, this variant frequency does not exceed the universal estimated maximal expected allele frequency for the recessive condition, Mismatch repair cancer syndrome 3 (OMIM 619097). Though the variant, c.4062_4065dupGACT, has been reported in the heterozygous state in the literature in affected individuals with breast cancer (example, Bhai_2021), prostate cancer (example, Matejcic_2020), colorectal cancer or Lynch syndrome (Kraus_2015, Borras_2017), in one of these cases a microsatellite stable tumor was noted (Kraus_2015), and in another patient a co-occurring likely pathogenic MLH1 variant (c.306G>T, p.E102D) was reported (Borras_2017). In all these cases, there was no strong evidence for variant causality. In addition, a similar frameshift variant affecting the same C-terminal amino acids (p.Leu1356Serfs*4) was also found in 11/99 Southern Chinese controls and classified as a common polymorphism (PMID 10413423). To our knowledge, no experimental evidence demonstrating an impact on protein function has been reported. The following publications have been ascertained in the context of this evaluation (PMID: 34326862, 28765196, 25142776, 32832836). ClinVar contains an entry for this variant (Variation ID: 185259). Based on the evidence outlined above, the variant was classified as uncertain significance.

Color Diagnostics, LLC DBA Color Health
Classification: Uncertain significance for Hereditary cancer-predisposing syndrome. Last evaluated: 2024-11-26. Review status: criteria provided, single submitter. Criteria: ACMG Guidelines, 2015. Collection method: clinical testing. Allele origin: germline.
Comment: This variant inserts 4 nucleotides in exon 10 of the MSH6 gene, creating a frameshift and premature translation stop signal in the last coding exon. This mutant transcript is predicted to escape nonsense-mediated decay and be expressed as a truncated protein, impacting the last five amino acids. To our knowledge, functional studies have not been performed for this variant. This variant has been reported in an individuals affected with colorectal cancer (PMID: 25142776), prostate cancer (PMID: 32832836), and Lynch syndrome (PMID: 28765196). This variant has been identified in 16/250986 chromosomes in the general population by the Genome Aggregation Database (gnomAD). The available evidence is insufficient to determine the role of this variant in disease conclusively. Therefore, this variant is classified as a Variant of Uncertain Significance.

Ambry Genetics
Classification: Benign for Hereditary cancer-predisposing syndrome. Last evaluated: 2024-06-05. Review status: criteria provided, single submitter. Criteria: Ambry Variant Classification Scheme 2023. Collection method: clinical testing. Allele origin: germline.

Baylor Genetics
Classification: Uncertain significance for Endometrial carcinoma. Last evaluated: 2023-10-26. Review status: criteria provided, single submitter. Criteria: ACMG Guidelines, 2015. Collection method: clinical testing. Allele origin: unknown.

Department of Pathology and Laboratory Medicine, Sinai Health System
Classification: Uncertain significance for Lynch syndrome. Review status: no assertion criteria provided. Collection method: clinical testing. Allele origin: unknown. Affected: yes. Study: The Canadian Open Genetics Repository (COGR). Not counted in ClinVar's aggregate classification.
Comment: The MSH6 p.Leu1356AspfsX4 variant was identified in 1 of 304 proband chromosomes (frequency: 0.003) from German individuals or families with CRC (Kraus 2014). The variant was also identified in dbSNP (ID: rs775836476) as â€šÃ„ÃºNAâ€šÃ„Ã¹, ClinVar (classified as uncertain significance by Ambry Genetics), Clinvitae (1x), and in control databases in 15 of 245802 chromosomes at a frequency of 0.00006 increasing the likelihood this could be a low frequency benign variant (Genome Aggregation Consortium Feb 27, 2017), being identified in the following populations: South Asian in 13 of 30692 chromosomes (frequency: 0.0004), East Asian in 1 of 17226 chromosomes (frequency: 0.00006) and European Non-Finnish in 1 of 111546 chromosomes (frequency 0.000009). The variant was not identified in Genesight-COGR, Cosmic, UMD-LSDB, Insight Colon Cancer Gene Variant Database, Zhejiang Colon Cancer Database, Mismatch Repair Genes Variant Database, and Insight Hereditary Tumors Database. The p.Leu1356AspfsX4 is predicted to cause a frameshift, which alters the protein's amino acid sequence beginning at codon 1356 and leads to a premature stop codon 4 codons downstream, shortening the protein transcript by 2 amino acids. Notably, variants occurring 50 base pairs before the penultimate exon junction/in the last exon of the gene and stop codon or nonsense mutations in this region may not be subjected to nonsense mediated RNA decay, although further study would be required to validate this hypothesis and it is currently not possible to determine whether or not this might influence the severity of the disorder. In summary, based on the above information the clinical significance of this variant cannot be determined with certainty at this time. This variant is classified as a variant of uncertain significance.

Literature cited by the submitters: PubMed 34326862 (cited by Quest Diagnostics Nichols Institute San Juan Capistrano and Women's Health and Genetics/Laboratory Corporation of America, LabCorp); PubMed 28765196 (cited by 3 submitters); PubMed 25142776 (cited by 4 submitters); PubMed 32832836 (cited by 4 submitters); PubMed 35150601 (cited by Quest Diagnostics Nichols Institute San Juan Capistrano); PubMed 36451132 (cited by Quest Diagnostics Nichols Institute San Juan Capistrano); PubMed 10413423 (cited by Ambry Genetics).

NM_000179.3(MSH6):c.4062_4065dup (p.Leu1356fs)

Gene: MSH6 (mutS homolog 6; plus strand). Cytogenetic location: 2p16.3.
Variant type: Duplication.
Coding change: c.4062_4065dup on transcript NM_000179.3 (MANE Select); coding-DNA positions 4062 to 4065, 4 bases duplicated (GACT; older notation c.4062_4065dupGACT).
Protein change: p.Leu1356fs; shifts the reading frame from leucine 1356.
Molecular consequence: frameshift variant.
Genome position (GRCh38, 1-based): chr2:47,806,839-47,806,842, GACT duplicated; duplicating any 4 consecutive bases within chr2:47,806,837-47,806,842 gives the same sequence; the c. name uses the placement nearest the transcript's 3' end. VCF-style (leftmost placement, unchanged base first): chr2-47806836-G-GCTGA. GRCh37 (hg19) VCF-style: chr2-48033975-G-GCTGA.
Other names: c.3672_3675dup, p.Leu1226fs (NM_001281492.2); c.3156_3159dup, p.Leu1054fs (NM_001281493.2, NM_001281494.2); c.4062_4065dupGACT (NM_000179.2, NM_000179.3); short protein forms L1054fs, L1226fs, L1356fs.
Identifiers: ClinVar variation 185259 (VCV000185259.26), dbSNP rs1553334056, ClinGen allele CA191474.